The following is an entry in ClinVar:

ClinVar aggregate classification (germline): Uncertain significance. Review status: criteria provided, multiple submitters, no conflicts (2 of 4 stars). 2 submissions from 2 submitters: Uncertain significance (2). Last evaluated 2025-08-12.

Conditions:
Inborn genetic diseases. Identifiers: MedGen C0950123, MeSH D030342.
Autosomal recessive polycystic kidney disease (ARPKD). Also called: AR polycystic kidney disease. Identifiers: Orphanet 731, Orphanet 8378, MedGen C0085548, MeSH D017044, MONDO:0009889.

Allele frequency attached by ClinVar (database versions not stated): gnomAD exomes below 0.00001; ExAC 0.00001; gnomAD 0.00001; TOPMed 0.00001; ESP Exome Variant Server 0.00008.
gnomAD v4.1: 7 of 1,613,160 alleles (0.00043%); highest among the groups gnomAD compares: Non-Finnish European, 0.00059%; no homozygotes.

Submissions (2):

Ambry Genetics
Classification: Uncertain significance for Inborn genetic diseases. Last evaluated: 2025-08-12. Review status: criteria provided, single submitter. Criteria: Ambry Variant Classification Scheme 2023. Collection method: clinical testing. Allele origin: germline.

Labcorp Genetics (formerly Invitae), Labcorp
Classification: Uncertain significance for Autosomal recessive polycystic kidney disease. Last evaluated: 2022-08-22. Review status: criteria provided, single submitter. Criteria: Invitae Variant Classification Sherloc (09022015). Collection method: clinical testing. Allele origin: germline.
Comment: This sequence change replaces aspartic acid, which is acidic and polar, with glutamic acid, which is acidic and polar, at codon 1438 of the PKHD1 protein (p.Asp1438Glu). This variant is present in population databases (rs369879082, gnomAD 0.002%). This variant has not been reported in the literature in individuals affected with PKHD1-related conditions. Advanced modeling of protein sequence and biophysical properties (such as structural, functional, and spatial information, amino acid conservation, physicochemical variation, residue mobility, and thermodynamic stability) performed at Invitae indicates that this missense variant is not expected to disrupt PKHD1 protein function. In summary, the available evidence is currently insufficient to determine the role of this variant in disease. Therefore, it has been classified as a Variant of Uncertain Significance.

NM_138694.4(PKHD1):c.4314C>A (p.Asp1438Glu)

Gene: PKHD1 (PKHD1 ciliary IPT domain containing fibrocystin/polyductin; minus strand). Cytogenetic location: 6p12.2.
Variant type: single nucleotide variant.
Coding change: c.4314C>A on transcript NM_138694.4 (MANE Select); coding-DNA position 4314, C replaced by A.
Protein change: p.Asp1438Glu; replaces aspartic acid 1438 with glutamic acid.
Molecular consequence: missense variant.
Genome position (GRCh38, 1-based): chr6:52,025,496, G>T on the plus strand (C>A on the coding strand, the complement: PKHD1 is on the minus strand). VCF-style: chr6-52025496-G-T. GRCh37 (hg19) VCF-style: chr6-51890294-G-T.
Other names: c.4314C>A (NM_138694.3); c.4314C>A, p.Asp1438Glu (NM_170724.3); short protein forms D1438E.
Identifiers: ClinVar variation 2192462 (VCV002192462.2), dbSNP rs369879082, ClinGen allele CA3852741.